The following is an entry in ClinVar:

ClinVar aggregate classification (germline): Likely benign. Review status: criteria provided, multiple submitters, no conflicts (2 of 4 stars). 2 submissions from 2 submitters: Likely benign (2). Last evaluated 2024-11-12.

Conditions:
Renal cell carcinoma. Identifiers: Orphanet 217071, MedGen C0007134, MeSH D002292, MONDO:0005086, HP:0005584.
Papillary renal cell carcinoma type 1 (RCCP1). Also called: RENAL CELL CARCINOMA, PAPILLARY, 1, SOMATIC; Renal adenocarcinoma; Renal cell carcinoma 1; Renal cell carcinoma, somatic. Identifiers: Orphanet 47044, MedGen C1336839, OMIM 605074, HP:0011797.

gnomAD v4.1: 1 of 1,613,590 alleles (0.000062%); no homozygotes.

Submissions (2):

Myriad Genetics, Inc.
Classification: Likely benign for Papillary renal cell carcinoma type 1. Last evaluated: 2024-11-12. Review status: criteria provided, single submitter. Criteria: Myriad Autosomal Dominant, Autosomal Recessive and X-Linked Classification Criteria (2023). Collection method: clinical testing. Allele origin: unknown.
Comment: This variant is considered likely benign. This variant is intronic and is not expected to impact mRNA splicing.

Labcorp Genetics (formerly Invitae), Labcorp
Classification: Likely benign for Renal cell carcinoma. Last evaluated: 2024-02-24. Review status: criteria provided, single submitter. Criteria: Invitae Variant Classification Sherloc (09022015). Collection method: clinical testing. Allele origin: germline.

NM_000245.4(MET):c.2731-18T>C

Gene: MET (MET proto-oncogene, receptor tyrosine kinase; plus strand). Cytogenetic location: 7q31.2.
Variant type: single nucleotide variant.
Coding change: c.2731-18T>C on transcript NM_000245.4 (MANE Select); 18 bases into the intron before coding-DNA position 2731, T replaced by C.
Molecular consequence: intron variant.
Genome position (GRCh38, 1-based): chr7:116,771,480, T>C. VCF-style: chr7-116771480-T-C. GRCh37 (hg19) VCF-style: chr7-116411534-T-C.
Other names: c.1441-18T>C (NM_001324402.2); c.2785-18T>C (NM_001127500.3).
Identifiers: ClinVar variation 3640085 (VCV003640085.3).